The following is an entry in ClinVar:

NM_031471.6(FERMT3):c.206A>C (p.Lys69Thr)

Gene: FERMT3 (FERM domain containing kindlin 3; plus strand). Cytogenetic location: 11q13.1.
Variant type: single nucleotide variant.
Coding change: c.206A>C on transcript NM_031471.6 (MANE Select); coding-DNA position 206, A replaced by C.
Protein change: p.Lys69Thr; replaces lysine 69 with threonine.
Molecular consequence: missense variant. On other transcripts: 5 prime UTR variant (2).
Genome position (GRCh38, 1-based): chr11:64,210,656, A>C. VCF-style: chr11-64210656-A-C. GRCh37 (hg19) VCF-style: chr11-63978128-A-C.
Other names: c.206A>C, p.Lys69Thr (NM_001382361.1, NM_001382362.1, NM_001382448.1 and 1 more transcripts); c.-335A>C (NM_001382363.1, NM_001382364.1); short protein forms K69T.
Identifiers: ClinVar variation 771444 (VCV000771444.14), dbSNP rs146932041, ClinGen allele CA6068683.

ClinVar aggregate classification (germline): Benign/Likely benign. Review status: criteria provided, multiple submitters, no conflicts (2 of 4 stars). 4 submissions from 4 submitters: Benign (1); Likely benign (3). Last evaluated 2026-08-01.

Conditions:
Leukocyte adhesion deficiency 3. Also called: INTEGRIN ACTIVATION DEFICIENCY DISEASE; LEUKOCYTE ADHESION DEFICIENCY 1 VARIANT; Leukocyte adhesion deficiency, type III. Identifiers: Orphanet 2968, Orphanet 99844, MedGen C2748536, MONDO:0013016, OMIM 612840.
FERMT3-related disorder. Also called: FERMT3-related condition.

Allele frequency attached by ClinVar (database versions not stated): 1000 Genomes Project 30x 0.00031; 1000 Genomes Project 0.00040; gnomAD 0.00041 and 0.00042; gnomAD exomes 0.00054 and 0.00274; TOPMed 0.00142; ExAC 0.00211.

Submissions (4):

CeGaT Center for Human Genetics Tuebingen
Classification: Likely benign. Last evaluated: 2026-08-01. Review status: criteria provided, single submitter. Criteria: CeGaT Center For Human Genetics Tuebingen Variant Classification Criteria Version 2. Collection method: clinical testing. Allele origin: germline. Affected: yes. Observed: 1 variant allele.
Comment: FERMT3: BS1

Labcorp Genetics (formerly Invitae), Labcorp
Classification: Benign for Leukocyte adhesion deficiency 3. Last evaluated: 2026-02-04. Review status: criteria provided, single submitter. Criteria: Invitae Variant Classification Sherloc (09022015). Collection method: clinical testing. Allele origin: germline.

PreventionGenetics, part of Exact Sciences
Classification: Likely benign for FERMT3-related condition. Last evaluated: 2024-11-27. Review status: criteria provided, single submitter. Criteria: ACMG Guidelines, 2015. Collection method: clinical testing. Allele origin: germline.
Comment: This variant is classified as likely benign based on ACMG/AMP sequence variant interpretation guidelines (Richards et al. 2015 PMID: 25741868, with internal and published modifications).

Blueprint Genetics
Classification: Likely benign. Last evaluated: 2024-09-23. Review status: criteria provided, single submitter. Criteria: ACMG Guidelines, 2015. Collection method: clinical testing. Allele origin: germline.